The following is an entry in ClinVar:

NM_000539.3(RHO):c.317G>T (p.Gly106Val)

Gene: RHO (rhodopsin; plus strand). Cytogenetic location: 3q22.1.
Variant type: single nucleotide variant.
Coding change: c.317G>T on transcript NM_000539.3 (MANE Select); coding-DNA position 317, G replaced by T.
Protein change: p.Gly106Val; replaces glycine 106 with valine.
Molecular consequence: missense variant.
Genome position (GRCh38, 1-based): chr3:129,529,050, G>T. VCF-style: chr3-129529050-G-T. GRCh37 (hg19) VCF-style: chr3-129247893-G-T.
Other names: short protein forms G106V.
Identifiers: ClinVar variation 802005 (VCV000802005.2), dbSNP rs1578278417, ClinGen allele CA354496869.

ClinVar aggregate classification (germline): Likely pathogenic. Review status: criteria provided, multiple submitters, no conflicts (2 of 4 stars). 2 submissions from 2 submitters: Likely pathogenic (2). Last evaluated 2025-11-06.

Conditions:
Retinitis pigmentosa 4 (RP4). Also called: RETINITIS PIGMENTOSA, RHODOPSIN-RELATED. Identifiers: Orphanet 791, MedGen C3151001, MONDO:0013395, OMIM 613731.

Submissions (2):

Labcorp Genetics (formerly Invitae), Labcorp
Classification: Likely pathogenic. Last evaluated: 2025-11-06. Review status: criteria provided, single submitter. Criteria: Invitae Variant Classification Sherloc (09022015). Collection method: clinical testing. Allele origin: germline.
Comment: This sequence change replaces glycine, which is neutral and non-polar, with valine, which is neutral and non-polar, at codon 106 of the RHO protein (p.Gly106Val). This variant is not present in population databases (gnomAD no frequency). This variant has not been reported in the literature in individuals affected with RHO-related conditions. ClinVar contains an entry for this variant (Variation ID: 802005). Invitae Evidence Modeling of protein sequence and biophysical properties (such as structural, functional, and spatial information, amino acid conservation, physicochemical variation, residue mobility, and thermodynamic stability) indicates that this missense variant is expected to disrupt RHO protein function with a positive predictive value of 95%. This variant disrupts the p.Gly106 amino acid residue in RHO. Other variant(s) that disrupt this residue have been determined to be pathogenic (PMID: 1301135, 8905849, 11094174, 28559085). This suggests that this residue is clinically significant, and that variants that disrupt this residue are likely to be disease-causing. In summary, the currently available evidence indicates that the variant is pathogenic, but additional data are needed to prove that conclusively. Therefore, this variant has been classified as Likely Pathogenic.

Mendelics
Classification: Likely pathogenic for Retinitis pigmentosa 4. Last evaluated: 2019-05-28. Review status: criteria provided, single submitter. Criteria: Mendelics Assertion Criteria 2017. Collection method: clinical testing. Allele origin: unknown.

Literature cited by the submitters: PubMed 1301135 (cited by Labcorp Genetics (formerly Invitae), Labcorp); PubMed 8905849 (cited by Labcorp Genetics (formerly Invitae), Labcorp); PubMed 11094174 (cited by Labcorp Genetics (formerly Invitae), Labcorp); PubMed 28559085 (cited by Labcorp Genetics (formerly Invitae), Labcorp).